The following is an entry in ClinVar:

NM_018896.5(CACNA1G):c.2211A>T (p.Arg737=)

Gene: CACNA1G (calcium voltage-gated channel subunit alpha1 G; plus strand). Cytogenetic location: 17q21.33.
Variant type: single nucleotide variant.
Coding change: c.2211A>T on transcript NM_018896.5 (MANE Select); coding-DNA position 2211, A replaced by T.
Protein change: p.Arg737=; no amino-acid change (arginine 737 retained).
Molecular consequence: synonymous variant. On other transcripts: non-coding transcript variant (5).
Genome position (GRCh38, 1-based): chr17:50,578,474, A>T. VCF-style: chr17-50578474-A-T. GRCh37 (hg19) VCF-style: chr17-48655835-A-T.
Other names: c.2211A>T, p.Arg737= (NM_001256324.2, NM_001256325.2, NM_001256326.2 and 24 more transcripts); c.2211A>T (NM_018896.4).
Identifiers: ClinVar variation 2788733 (VCV002788733.5), dbSNP rs112103284, ClinGen allele CA8652357.

ClinVar aggregate classification (germline): Benign/Likely benign. Review status: criteria provided, multiple submitters, no conflicts (2 of 4 stars). 3 submissions from 3 submitters: Benign (1); Likely benign (2). Last evaluated 2025-01-06.

Conditions:
CACNA1G-related disorder. Also called: CACNA1G-related condition; CACNA1G-related disorders.

Allele frequency attached by ClinVar (database versions not stated): ESP Exome Variant Server 0.00008; ExAC 0.00020; gnomAD 0.00052; TOPMed 0.00059; 1000 Genomes Project 30x 0.00109; 1000 Genomes Project 0.00140.
gnomAD v4.1: 184 of 1,595,944 alleles (0.012%); highest among the groups gnomAD compares: African/African-American, 0.2%; no homozygotes.

Submissions (3):

PreventionGenetics, part of Exact Sciences
Classification: Likely benign for CACNA1G-related condition. Last evaluated: 2025-01-06. Review status: criteria provided, single submitter. Criteria: ACMG Guidelines, 2015. Collection method: clinical testing. Allele origin: germline.
Comment: This variant is classified as likely benign based on ACMG/AMP sequence variant interpretation guidelines (Richards et al. 2015 PMID: 25741868, with internal and published modifications).

Labcorp Genetics (formerly Invitae), Labcorp
Classification: Benign. Last evaluated: 2024-11-04. Review status: criteria provided, single submitter. Criteria: Invitae Variant Classification Sherloc (09022015). Collection method: clinical testing. Allele origin: germline.

Blueprint Genetics
Classification: Likely benign. Last evaluated: 2024-10-09. Review status: criteria provided, single submitter. Criteria: ACMG Guidelines, 2015. Collection method: clinical testing. Allele origin: germline.